The following is an entry in ClinVar:

ClinVar aggregate classification (germline): Likely benign. Review status: criteria provided, multiple submitters, no conflicts (2 of 4 stars). 3 submissions from 3 submitters: Likely benign (2). 1 of the submissions does not count toward it. Last evaluated 2026-01-05.

Conditions:
CDH3-related disorder. Also called: CDH3-related condition.

Allele frequency attached by ClinVar (database versions not stated): gnomAD 0.00001; TOPMed 0.00001; ExAC 0.00004; gnomAD exomes 0.00004 and 0.00007.
gnomAD v4.1: 99 of 1,614,086 alleles (0.0061%); highest among the groups gnomAD compares: Non-Finnish European, 0.0081%; no homozygotes.

Submissions (3):

Labcorp Genetics (formerly Invitae), Labcorp
Classification: Likely benign. Last evaluated: 2026-01-05. Review status: criteria provided, single submitter. Criteria: Invitae Variant Classification Sherloc (09022015). Collection method: clinical testing. Allele origin: germline.

Blueprint Genetics
Classification: Likely benign. Last evaluated: 2024-09-13. Review status: criteria provided, single submitter. Criteria: ACMG Guidelines, 2015. Collection method: clinical testing. Allele origin: germline.

PreventionGenetics, part of Exact Sciences
Classification: Likely benign for CDH3-related condition. Last evaluated: 2019-05-23. Review status: no assertion criteria provided. Collection method: clinical testing. Allele origin: germline. Not counted in ClinVar's aggregate classification.
Comment: This variant is classified as likely benign based on ACMG/AMP sequence variant interpretation guidelines (Richards et al. 2015 PMID: 25741868, with internal and published modifications).

NM_001793.6(CDH3):c.1842A>G (p.Thr614=)

Gene: CDH3 (cadherin 3; plus strand). Cytogenetic location: 16q22.1.
Variant type: single nucleotide variant.
Coding change: c.1842A>G on transcript NM_001793.6 (MANE Select); coding-DNA position 1842, A replaced by G.
Protein change: p.Thr614=; no amino-acid change (threonine 614 retained).
Molecular consequence: synonymous variant.
Genome position (GRCh38, 1-based): chr16:68,691,766, A>G. VCF-style: chr16-68691766-A-G. GRCh37 (hg19) VCF-style: chr16-68725669-A-G.
Other names: c.1842A>G, p.Thr614= (NM_001317195.3); c.1677A>G, p.Thr559= (NM_001317196.2); c.1842A>G (NM_001793.5).
Identifiers: ClinVar variation 1095249 (VCV001095249.12), dbSNP rs758535368, ClinGen allele CA8129496.